The following is an entry in ClinVar:

ClinVar aggregate classification (germline): Uncertain significance (1 of 4 stars; one submission).

Submission:

Ambry Genetics
Classification: Uncertain significance. Last evaluated: 2026-06-30. Review status: criteria provided, single submitter. Criteria: Ambry Variant Classification Scheme 2023. Collection method: clinical testing. Allele origin: germline.
Comment: The p.Q115E variant (also known as c.343C>G), located in coding exon 1 of the CDK12 gene, results from a C to G substitution at nucleotide position 343. The glutamine at codon 115 is replaced by glutamic acid, an amino acid with highly similar properties. This amino acid position is conserved. In addition, this alteration is predicted to be tolerated by in silico analysis. Based on the available evidence, the clinical significance of this variant remains unclear.

NM_016507.4(CDK12):c.343C>G (p.Gln115Glu)

Genes: CDK12 (cyclin dependent kinase 12; plus strand), LOC126862553 (CDK7 strongly-dependent group 2 enhancer GRCh37_chr17:37618166-37619365; plus strand). Cytogenetic location: 17q12.
Variant type: single nucleotide variant.
Coding change: c.343C>G on transcript NM_016507.4 (MANE Select); coding-DNA position 343, C replaced by G.
Protein change: p.Gln115Glu; replaces glutamine 115 with glutamic acid.
Molecular consequence: missense variant.
Genome position (GRCh38, 1-based): chr17:39,462,414, C>G. VCF-style: chr17-39462414-C-G. GRCh37 (hg19) VCF-style: chr17-37618667-C-G.
Other names: c.343C>G, p.Gln115Glu (NM_015083.4); short protein forms Q115E.
Identifiers: ClinVar variation 5034073 (VCV005034073.1).